The following is an entry in ClinVar:

ClinVar aggregate classification (germline): Uncertain significance (1 of 4 stars; one submission).

Allele frequency attached by ClinVar (database versions not stated): TOPMed below 0.00001; gnomAD exomes 0.00002.

Submission:

Labcorp Genetics (formerly Invitae), Labcorp
Classification: Uncertain significance. Last evaluated: 2021-12-29. Review status: criteria provided, single submitter. Criteria: Invitae Variant Classification Sherloc (09022015). Collection method: clinical testing. Allele origin: germline.
Comment: This sequence change replaces aspartic acid, which is acidic and polar, with tyrosine, which is neutral and polar, at codon 100 of the SLC24A1 protein (p.Asp100Tyr). This variant is not present in population databases (gnomAD no frequency). This variant has not been reported in the literature in individuals affected with SLC24A1-related conditions. Algorithms developed to predict the effect of missense changes on protein structure and function output the following: SIFT: "Deleterious"; PolyPhen-2: "Probably Damaging"; Align-GVGD: "Class C0". The tyrosine amino acid residue is found in multiple mammalian species, which suggests that this missense change does not adversely affect protein function. In summary, the available evidence is currently insufficient to determine the role of this variant in disease. Therefore, it has been classified as a Variant of Uncertain Significance.

NM_004727.3(SLC24A1):c.298G>T (p.Asp100Tyr)

Gene: SLC24A1 (solute carrier family 24 member 1; plus strand). Cytogenetic location: 15q22.31.
Variant type: single nucleotide variant.
Coding change: c.298G>T on transcript NM_004727.3 (MANE Select); coding-DNA position 298, G replaced by T.
Protein change: p.Asp100Tyr; replaces aspartic acid 100 with tyrosine.
Molecular consequence: missense variant.
Genome position (GRCh38, 1-based): chr15:65,624,378, G>T. VCF-style: chr15-65624378-G-T. GRCh37 (hg19) VCF-style: chr15-65916716-G-T.
Other names: c.298G>T, p.Asp100Tyr (NM_001301031.1, NM_001301032.1, NM_001301033.2 and 1 more transcripts); short protein forms D100Y.
Identifiers: ClinVar variation 1974662 (VCV001974662.2), dbSNP rs969223975, ClinGen allele CA271587500.